The following is an entry in ClinVar:

NM_139319.3(SLC17A8):c.83C>A (p.Ser28Tyr)

Gene: SLC17A8 (solute carrier family 17 member 8; plus strand). Cytogenetic location: 12q23.1.
Variant type: single nucleotide variant.
Coding change: c.83C>A on transcript NM_139319.3 (MANE Select); coding-DNA position 83, C replaced by A.
Protein change: p.Ser28Tyr; replaces serine 28 with tyrosine.
Molecular consequence: missense variant.
Genome position (GRCh38, 1-based): chr12:100,357,474, C>A. VCF-style: chr12-100357474-C-A. GRCh37 (hg19) VCF-style: chr12-100751252-C-A.
Other names: c.83C>A, p.Ser28Tyr (NM_001145288.2); short protein forms S28Y.
Identifiers: ClinVar variation 3375068 (VCV003375068.1).
Genomic context (GRCh38, chr12:100,357,474, plus strand): 5'-CCTTCAAAGAAAAAATTCTGAAACCTGGGAAGGAAGGAGTGAAGAACGCCGTGGGAGATT[C>A]TTTGGGAATTTTACAAAGGTAAAGTTTGAATGCGAACTTTAGTTCCTTTCTGAGTAGCTT-3'
Protein context (NP_647480.1, residues 18-38): KEGVKNAVGD[Ser28Tyr]LGILQRKIDG

ClinVar aggregate classification (germline): Uncertain significance (1 of 4 stars; one submission).

gnomAD v4.1: 12 of 1,612,510 alleles (0.00074%); highest among the groups gnomAD compares: Admixed American, 0.02%; no homozygotes.

Submission:

Women's Health and Genetics/Laboratory Corporation of America, LabCorp
Classification: Uncertain significance. Last evaluated: 2024-09-04. Review status: criteria provided, single submitter. Criteria: LabCorp Variant Classification Summary - May 2015. Collection method: clinical testing. Allele origin: germline.
Comment: Variant summary: SLC17A8 c.83C>A (p.Ser28Tyr) results in a non-conservative amino acid change in the encoded protein sequence. Four of five in-silico tools predict a damaging effect of the variant on protein function. The variant allele was found at a frequency of 2.4e-05 in 251298 control chromosomes. The available data on variant occurrences in the general population are insufficient to allow any conclusion about variant significance. To our knowledge, no occurrence of c.83C>A in individuals affected with Autosomal Dominant Nonsyndromic Hearing Loss 25 and no experimental evidence demonstrating its impact on protein function have been reported. No submitters have cited clinical-significance assessments for this variant to ClinVar. Based on the evidence outlined above, the variant was classified as uncertain significance.